The following is an entry in ClinVar:

ClinVar aggregate classification (germline): Likely pathogenic (0 of 4 stars; one submission).

Submission:

Diagnostics Centre, Carl Von Ossietzky University Oldenburg
Classification: Likely pathogenic. Last evaluated: 2026-01-26. Review status: no assertion criteria provided. Collection method: clinical testing. Allele origin: germline. Affected: yes. Observed: 1 variant allele.
Comment: The variant NM_001385012.1(NBEA):c.5038G>T p.(Glu1680*) located in the exon 31 of the NBEA gene results in the formation of a premature stop codon at protein position 1680. The altered gene product is predicted to be degraded by nonsense-mediated decay in a gene where loss-of-function is a known mechanism of disease. The variant has not previously been reported in ClinVar or in any publications known to us. In the general population, this variant is considered very rare, as it has not been reported in gnomAD. In summary, this variant is classified as Likely pathogenic.

NM_001385012.1(NBEA):c.5038G>T (p.Glu1680Ter)

Gene: NBEA (neurobeachin; plus strand). Cytogenetic location: 13q13.3.
Variant type: single nucleotide variant.
Coding change: c.5038G>T on transcript NM_001385012.1 (MANE Select); coding-DNA position 5038, G replaced by T.
Protein change: p.Glu1680Ter; replaces glutamic acid 1680 with a stop codon.
Molecular consequence: nonsense.
Genome position (GRCh38, 1-based): chr13:35,195,974, G>T. VCF-style: chr13-35195974-G-T. GRCh37 (hg19) VCF-style: chr13-35770111-G-T.
Other names: c.5029G>T, p.Glu1677Ter (NM_001379245.1); c.5038G>T, p.Glu1680Ter (NM_015678.5); short protein forms E1677*, E1680*.
Identifiers: ClinVar variation 4886815 (VCV004886815.1).